The following is an entry in ClinVar:

NM_002775.5(HTRA1):c.62C>T (p.Ser21Leu)

Gene: HTRA1 (HtrA serine peptidase 1; plus strand). Cytogenetic location: 10q26.13.
Variant type: single nucleotide variant.
Coding change: c.62C>T on transcript NM_002775.5 (MANE Select); coding-DNA position 62, C replaced by T.
Protein change: p.Ser21Leu; replaces serine 21 with leucine.
Molecular consequence: missense variant.
Genome position (GRCh38, 1-based): chr10:122,461,714, C>T. VCF-style: chr10-122461714-C-T. GRCh37 (hg19) VCF-style: chr10-124221230-C-T.
Other names: short protein forms S21L.
Identifiers: ClinVar variation 3107608 (VCV003107608.3), dbSNP rs745597966, ClinGen allele CA5725793.

ClinVar aggregate classification (germline): Uncertain significance. Review status: criteria provided, multiple submitters, no conflicts (2 of 4 stars). 2 submissions from 2 submitters: Uncertain significance (2). Last evaluated 2024-07-30.

Conditions:
Inborn genetic diseases. Identifiers: MedGen C0950123, MeSH D030342.

Allele frequency attached by ClinVar (database versions not stated): 1000 Genomes Project 30x 0.00016; ExAC 0.00026.
gnomAD v4.1: 16 of 1,294,562 alleles (0.0012%); highest among the groups gnomAD compares: South Asian, 0.018%; no homozygotes.

Submissions (2):

Labcorp Genetics (formerly Invitae), Labcorp
Classification: Uncertain significance. Last evaluated: 2024-07-30. Review status: criteria provided, single submitter. Criteria: Invitae Variant Classification Sherloc (09022015). Collection method: clinical testing. Allele origin: germline.
Comment: This sequence change replaces serine, which is neutral and polar, with leucine, which is neutral and non-polar, at codon 21 of the HTRA1 protein (p.Ser21Leu). The frequency data for this variant in the population databases is considered unreliable, as metrics indicate poor data quality at this position in the gnomAD database. This variant has not been reported in the literature in individuals affected with HTRA1-related conditions. An algorithm developed to predict the effect of missense changes on protein structure and function outputs the following: PolyPhen-2: "Not Available". The leucine amino acid residue is found in multiple mammalian species, which suggests that this missense change does not adversely affect protein function. In summary, the available evidence is currently insufficient to determine the role of this variant in disease. Therefore, it has been classified as a Variant of Uncertain Significance.

Ambry Genetics
Classification: Uncertain significance for Inborn genetic diseases. Last evaluated: 2024-02-28. Review status: criteria provided, single submitter. Criteria: Ambry Variant Classification Scheme 2023. Collection method: clinical testing. Allele origin: germline.